The following is an entry in ClinVar:

ClinVar aggregate classification (germline): Uncertain significance (1 of 4 stars; one submission).

Conditions:
Intellectual developmental disorder, autosomal recessive 48. Also called: Progressive essential tremor-speech impairment-facial dysmorphism-intellectual disability-abnormal behavior syndrome. Identifiers: Orphanet 457212, MedGen C4225395, MONDO:0014559, OMIM 616269.

Submission:

MGZ Medical Genetics Center
Classification: Uncertain significance for Intellectual developmental disorder, autosomal recessive 48. Last evaluated: 2022-08-30. Review status: criteria provided, single submitter. Criteria: ACMG Guidelines, 2015. Collection method: clinical testing. Allele origin: germline. Affected: yes. Observed: 1 variant allele.
Comment: ACMG criteria applied: PM2_SUP, PP3

NM_001010898.4(SLC6A17):c.351G>T (p.Glu117Asp)

Gene: SLC6A17 (solute carrier family 6 member 17; plus strand). Cytogenetic location: 1p13.3.
Variant type: single nucleotide variant.
Coding change: c.351G>T on transcript NM_001010898.4 (MANE Select); coding-DNA position 351, G replaced by T.
Protein change: p.Glu117Asp; replaces glutamic acid 117 with aspartic acid.
Molecular consequence: missense variant.
Genome position (GRCh38, 1-based): chr1:110,172,124, G>T. VCF-style: chr1-110172124-G-T. GRCh37 (hg19) VCF-style: chr1-110714746-G-T.
Other names: short protein forms E117D.
Identifiers: ClinVar variation 1709501 (VCV001709501.2), dbSNP rs1656255797, ClinGen allele CA341568904.